The following is an entry in ClinVar:

NM_001127208.3(TET2):c.1588C>T (p.Gln530Ter)

Genes: TET2 (tet methylcytosine dioxygenase 2; plus strand), TET2-AS1 (TET2 antisense RNA 1; minus strand). Cytogenetic location: 4q24.
Variant type: single nucleotide variant.
Coding change: c.1588C>T on transcript NM_001127208.3 (MANE Select); coding-DNA position 1588, C replaced by T.
Protein change: p.Gln530Ter; replaces glutamine 530 with a stop codon.
Molecular consequence: nonsense.
Genome position (GRCh38, 1-based): chr4:105,235,530, C>T. VCF-style: chr4-105235530-C-T. GRCh37 (hg19) VCF-style: chr4-106156687-C-T.
Other names: c.1588C>T, p.Gln530Ter (NM_017628.4); short protein forms Q530*.
Identifiers: ClinVar variation 1695103 (VCV001695103.31), dbSNP rs377382567, ClinGen allele CA3031712.

ClinVar aggregate classification (germline): Likely pathogenic (1 of 4 stars; one submission).

Allele frequency attached by ClinVar (database versions not stated): gnomAD exomes below 0.00001; ExAC 0.00001; ESP Exome Variant Server 0.00008.

Submission:

CeGaT Center for Human Genetics Tuebingen
Classification: Likely pathogenic. Last evaluated: 2022-05-01. Review status: criteria provided, single submitter. Criteria: CeGaT Center For Human Genetics Tuebingen Variant Classification Criteria Version 2. Collection method: clinical testing. Allele origin: germline. Affected: yes. Observed: 1 variant allele.
Comment: TET2: PVS1:Strong, PM2, PS4:Supporting